The following is an entry in ClinVar:

ClinVar aggregate classification (germline): Uncertain significance (1 of 4 stars; one submission).

Conditions:
Cystic fibrosis (CF). Also called: MUCOVISCIDOSIS. Identifiers: Orphanet 586, MedGen C0010674, MONDO:0009061, OMIM 219700. Disease mechanism: loss of function.

Submission:

Labcorp Genetics (formerly Invitae), Labcorp
Classification: Uncertain significance for Cystic fibrosis. Last evaluated: 2022-06-26. Review status: criteria provided, single submitter. Criteria: Invitae Variant Classification Sherloc (09022015). Collection method: clinical testing. Allele origin: germline.
Comment: In summary, the available evidence is currently insufficient to determine the role of this variant in disease. Therefore, it has been classified as a Variant of Uncertain Significance. Variants that disrupt the consensus splice site are a relatively common cause of aberrant splicing (PMID: 17576681, 9536098). Algorithms developed to predict the effect of sequence changes on RNA splicing suggest that this variant is not likely to affect RNA splicing. This variant has not been reported in the literature in individuals affected with CFTR-related conditions. This variant is not present in population databases (gnomAD no frequency). This sequence change falls in intron 2 of the CFTR gene. It does not directly change the encoded amino acid sequence of the CFTR protein. It affects a nucleotide within the consensus splice site.

Literature cited by the submitters: PubMed 17576681; PubMed 9536098.

NM_000492.4(CFTR):c.164+6T>C

Gene: CFTR (CF transmembrane conductance regulator; plus strand). Cytogenetic location: 7q31.2.
Variant type: single nucleotide variant.
Coding change: c.164+6T>C on transcript NM_000492.4 (MANE Select); 6 bases into the intron after coding-DNA position 164, T replaced by C.
Molecular consequence: intron variant.
Genome position (GRCh38, 1-based): chr7:117,504,369, T>C. VCF-style: chr7-117504369-T-C. GRCh37 (hg19) VCF-style: chr7-117144423-T-C.
Identifiers: ClinVar variation 1929570 (VCV001929570.5), dbSNP rs2484968478, ClinGen allele CA2578999873.